The following is an entry in ClinVar:

ClinVar aggregate classification (germline): Benign. Review status: criteria provided, multiple submitters, no conflicts (2 of 4 stars). 2 submissions from 2 submitters: Benign (2). Last evaluated 2018-06-14.

Allele frequency attached by ClinVar (database versions not stated): 1000 Genomes Project 0.43750; TOPMed 0.51152; gnomAD 0.51182 and 0.51956.

Submissions (3):

GeneDx
Classification: Benign. Last evaluated: 2018-06-14. Review status: criteria provided, single submitter. Criteria: GeneDx Variant Classification (06012015). Collection method: clinical testing. Allele origin: germline. Affected: yes.
Comment: This variant is considered likely benign or benign based on one or more of the following criteria: it is a conservative change, it occurs at a poorly conserved position in the protein, it is predicted to be benign by multiple in silico algorithms, and/or has population frequency not consistent with disease.

Breakthrough Genomics
Classification: Benign. Review status: criteria provided, single submitter. Criteria: ACMG Guidelines, 2015. Collection method: not provided. Allele origin: germline. Inheritance: Autosomal recessive inheritance. Affected: yes.

Dr. Peter K. Rogan Lab, Western University
No classification provided (evidence only). Condition: Familial cancer of breast. Review status: no classification provided. Collection method: in vitro. Allele origin: not applicable. Functional consequence: retained intron. Not counted in ClinVar's aggregate classification.

NM_001848.3(COL6A1):c.2434+88C>T

Gene: COL6A1 (collagen type VI alpha 1 chain; plus strand). Cytogenetic location: 21q22.3.
Variant type: single nucleotide variant.
Coding change: c.2434+88C>T on transcript NM_001848.3 (MANE Select); 88 bases into the intron after coding-DNA position 2434, C replaced by T.
Molecular consequence: intron variant.
Genome position (GRCh38, 1-based): chr21:46,002,798, C>T. VCF-style: chr21-46002798-C-T. GRCh37 (hg19) VCF-style: chr21-47422712-C-T.
Other names: NC_000021.8:g.47422712C>T.
Identifiers: ClinVar variation 679199 (VCV000679199.3), dbSNP rs2236488, ClinGen allele CA14875391.